The following is an entry in ClinVar:

NM_006445.4(PRPF8):c.5164A>G (p.Ser1722Gly)

Gene: PRPF8 (pre-mRNA processing factor 8; minus strand). Cytogenetic location: 17p13.3.
Variant type: single nucleotide variant.
Coding change: c.5164A>G on transcript NM_006445.4 (MANE Select); coding-DNA position 5164, A replaced by G.
Protein change: p.Ser1722Gly; replaces serine 1722 with glycine.
Molecular consequence: missense variant.
Genome position (GRCh38, 1-based): chr17:1,658,738, T>C on the plus strand (A>G on the coding strand, the complement: PRPF8 is on the minus strand). VCF-style: chr17-1658738-T-C. GRCh37 (hg19) VCF-style: chr17-1562032-T-C.
Other names: c.5164A>G (NM_006445.3); short protein forms S1722G.
Identifiers: ClinVar variation 1035445 (VCV001035445.9), dbSNP rs201280111, ClinGen allele CA8271464.

ClinVar aggregate classification (germline): Uncertain significance. Review status: criteria provided, multiple submitters, no conflicts (2 of 4 stars). 2 submissions from 2 submitters: Uncertain significance (2). Last evaluated 2025-08-08.

Conditions:
Inborn genetic diseases. Identifiers: MedGen C0950123, MeSH D030342.

Allele frequency attached by ClinVar (database versions not stated): 1000 Genomes Project 0.00020; ExAC 0.00004; gnomAD 0.00007 and 0.00006; gnomAD exomes 0.00008; 1000 Genomes Project 30x 0.00016; TOPMed 0.00010.
gnomAD v4.1: 312 of 1,614,260 alleles (0.019%); highest among the groups gnomAD compares: Non-Finnish European, 0.025%; no homozygotes.

Submissions (2):

Ambry Genetics
Classification: Uncertain significance for Inborn genetic diseases. Last evaluated: 2025-08-08. Review status: criteria provided, single submitter. Criteria: Ambry Variant Classification Scheme 2023. Collection method: clinical testing. Allele origin: germline.

Labcorp Genetics (formerly Invitae), Labcorp
Classification: Uncertain significance. Last evaluated: 2025-03-30. Review status: criteria provided, single submitter. Criteria: Invitae Variant Classification Sherloc (09022015). Collection method: clinical testing. Allele origin: germline.
Comment: This sequence change replaces serine, which is neutral and polar, with glycine, which is neutral and non-polar, at codon 1722 of the PRPF8 protein (p.Ser1722Gly). This variant is present in population databases (rs201280111, gnomAD 0.01%). This missense change has been observed in individuals with autosomal dominant retinitis pigmentosa (internal data). ClinVar contains an entry for this variant (Variation ID: 1035445). Invitae Evidence Modeling of protein sequence and biophysical properties (such as structural, functional, and spatial information, amino acid conservation, physicochemical variation, residue mobility, and thermodynamic stability) indicates that this missense variant is not expected to disrupt PRPF8 protein function with a negative predictive value of 80%. In summary, the available evidence is currently insufficient to determine the role of this variant in disease. Therefore, it has been classified as a Variant of Uncertain Significance.